The following is an entry in ClinVar:

ClinVar aggregate classification (germline): Conflicting classifications of pathogenicity. Review status: criteria provided, conflicting classifications (1 of 4 stars). 2 submissions from 2 submitters: Likely pathogenic (1); Uncertain significance (1). Last evaluated 2026-09-01.

Conditions:
Wilson disease (WND). Also called: Wilson's disease. Identifiers: Orphanet 905, MedGen C0019202, MONDO:0010200, OMIM 277900. Disease mechanism: loss of function.

Submissions (2):

Myriad Genetics, Inc.
Classification: Uncertain significance for Wilson disease. Last evaluated: 2026-09-01. Review status: criteria provided, single submitter. Criteria: Myriad Autosomal Dominant, Autosomal Recessive and X-Linked Classification Criteria (2023). Collection method: clinical testing. Allele origin: unknown.
Comment: NM_000053.3(ATP7B):c.2302C>T(P768S) is a missense variant classified as a variant of uncertain significance in the context of Wilson disease. P768S has been observed in a case with relevant disease (PMID: 17264425). Relevant functional assessments of this variant are not available in the literature. P768S has not been observed in referenced population frequency databases. In summary, there is insufficient evidence to classify NM_000053.3(ATP7B):c.2302C>T(P768S) as pathogenic or benign. Please note: this variant was assessed in the context of healthy population screening.

Natera, Inc.
Classification: Likely pathogenic for Wilson disease. Last evaluated: 2024-06-24. Review status: criteria provided, single submitter. Criteria: Natera Variant Classification Schema (03/2026). Collection method: clinical testing. Allele origin: germline.
Comment: The c.2302C>T variant in ATP7B is a missense variant predicted to cause substitution of proline to serine at amino acid 768. This variant is rare in the general population with a frequency below the threshold expected for the associated phenotype(s). This variant has been observed in one or more individuals affected with the associated recessive disease, as either homozygous or compound heterozygous with a second variant (PMID: 17264425). A different variant at the same position has been determined to be Pathogenic or Likely Pathogenic. Computational prediction algorithms indicate this variant is likely to affect gene or protein function. Given the available evidence, this variant is classified as Likely Pathogenic.

Literature cited by the submitters: PubMed 17264425 (cited by Myriad Genetics, Inc. and Natera, Inc.).

NM_000053.4(ATP7B):c.2302C>T (p.Pro768Ser)

Gene: ATP7B (ATPase copper transporting beta; minus strand). Cytogenetic location: 13q14.3.
Variant type: single nucleotide variant.
Coding change: c.2302C>T on transcript NM_000053.4 (MANE Select); coding-DNA position 2302, C replaced by T.
Protein change: p.Pro768Ser; replaces proline 768 with serine.
Molecular consequence: missense variant. On other transcripts: intron variant (14).
Genome position (GRCh38, 1-based): chr13:51,958,364, G>A on the plus strand (C>T on the coding strand, the complement: ATP7B is on the minus strand). VCF-style: chr13-51958364-G-A. GRCh37 (hg19) VCF-style: chr13-52532500-G-A.
Other names: c.1969C>T, p.Pro657Ser (NM_001243182.2); c.2050C>T, p.Pro684Ser (NM_001330579.2, NM_001406531.1, NM_001406532.1 and 1 more transcripts); c.2302C>T, p.Pro768Ser (NM_001406511.1, NM_001406512.1, NM_001406513.1 and 7 more transcripts); c.2269C>T, p.Pro757Ser (NM_001406514.1); c.2206C>T, p.Pro736Ser (NM_001406517.1, NM_001406518.1); c.2158C>T, p.Pro720Ser (NM_001406520.1, NM_001406521.1, NM_001406522.1 and 1 more transcripts); c.2125C>T, p.Pro709Ser (NM_001406524.1); c.2062C>T, p.Pro688Ser (NM_001406530.1); and 8 more; short protein forms P625S, P652S, P657S, P684S, P688S, P709S, P720S, P736S.
Identifiers: ClinVar variation 4815144 (VCV004815144.2).